The following is an entry in ClinVar:

ClinVar aggregate classification (germline): Uncertain significance. Review status: criteria provided, multiple submitters, no conflicts (2 of 4 stars). 2 submissions from 2 submitters: Uncertain significance (2). Last evaluated 2025-08-09.

Conditions:
Neuroblastoma, susceptibility to, 3. Also called: ALK-Related Neuroblastic Tumor Susceptibility. Identifiers: Orphanet 635, MedGen C2751681, MONDO:0013083, OMIM 613014.
Hereditary cancer-predisposing syndrome. Also called: Hereditary Cancer Syndrome; Hereditary neoplastic syndrome; Neoplastic Syndromes, Hereditary; Tumor predisposition. Identifiers: Orphanet 140162, MedGen C0027672, MeSH D009386, MONDO:0015356.

Allele frequency attached by ClinVar (database versions not stated): TOPMed below 0.00001.

Submissions (2):

Ambry Genetics
Classification: Uncertain significance for Hereditary cancer-predisposing syndrome. Last evaluated: 2025-08-09. Review status: criteria provided, single submitter. Criteria: Ambry Variant Classification Scheme 2023. Collection method: clinical testing. Allele origin: germline.
Comment: The p.R203S variant (also known as c.609G>C), located in coding exon 1 of the ALK gene, results from a G to C substitution at nucleotide position 609. The arginine at codon 203 is replaced by serine, an amino acid with dissimilar properties. This amino acid position is conserved. In addition, this alteration is predicted to be tolerated by in silico analysis. Based on the available evidence, the clinical significance of this variant remains unclear.

Labcorp Genetics (formerly Invitae), Labcorp
Classification: Uncertain significance for Neuroblastoma, susceptibility to, 3. Last evaluated: 2024-06-19. Review status: criteria provided, single submitter. Criteria: Invitae Variant Classification Sherloc (09022015). Collection method: clinical testing. Allele origin: germline.
Comment: This sequence change replaces arginine, which is basic and polar, with serine, which is neutral and polar, at codon 203 of the ALK protein (p.Arg203Ser). This variant is not present in population databases (gnomAD no frequency). This variant has not been reported in the literature in individuals affected with ALK-related conditions. An algorithm developed to predict the effect of missense changes on protein structure and function (PolyPhen-2) suggests that this variant is likely to be tolerated. In summary, the available evidence is currently insufficient to determine the role of this variant in disease. Therefore, it has been classified as a Variant of Uncertain Significance.

NM_004304.5(ALK):c.609G>C (p.Arg203Ser)

Gene: ALK (ALK receptor tyrosine kinase; minus strand). Cytogenetic location: 2p23.1.
Variant type: single nucleotide variant.
Coding change: c.609G>C on transcript NM_004304.5 (MANE Select); coding-DNA position 609, G replaced by C.
Protein change: p.Arg203Ser; replaces arginine 203 with serine.
Molecular consequence: missense variant.
Genome position (GRCh38, 1-based): chr2:29,920,051, C>G on the plus strand (G>C on the coding strand, the complement: ALK is on the minus strand). VCF-style: chr2-29920051-C-G. GRCh37 (hg19) VCF-style: chr2-30142917-C-G.
Other names: c.609G>C (NM_004304.4); short protein forms R203S.
Identifiers: ClinVar variation 2986235 (VCV002986235.4), dbSNP rs1667946918, ClinGen allele CA346589695.